The following is an entry in ClinVar:

NM_006950.3(SYN1):c.548T>C (p.Val183Ala)

Gene: SYN1 (synapsin I; minus strand). Cytogenetic location: Xp11.23.
Variant type: single nucleotide variant.
Coding change: c.548T>C on transcript NM_006950.3 (MANE Select); coding-DNA position 548, T replaced by C.
Protein change: p.Val183Ala; replaces valine 183 with alanine.
Molecular consequence: missense variant.
Genome position (GRCh38, 1-based): chrX:47,605,359, A>G on the plus strand (T>C on the coding strand, the complement: SYN1 is on the minus strand). VCF-style: chrX-47605359-A-G. GRCh37 (hg19) VCF-style: chrX-47464758-A-G.
Other names: c.548T>C, p.Val183Ala (NM_133499.2); short protein forms V183A.
Identifiers: ClinVar variation 2797174 (VCV002797174.3), dbSNP rs2519705518, ClinGen allele CA412825262.

ClinVar aggregate classification (germline): Uncertain significance (1 of 4 stars; one submission).

Conditions:
Epilepsy, X-linked 1, with variable learning disabilities and behavior disorders. Also called: X-linked epilepsy-learning disabilities-behavior disorders syndrome. Identifiers: Orphanet 85294, MedGen C5774177, MONDO:0010339, OMIM 300491.

Submission:

Labcorp Genetics (formerly Invitae), Labcorp
Classification: Uncertain significance for Epilepsy, X-linked 1, with variable learning disabilities and behavior disorders. Last evaluated: 2023-08-10. Review status: criteria provided, single submitter. Criteria: Invitae Variant Classification Sherloc (09022015). Collection method: clinical testing. Allele origin: germline.
Comment: In summary, the available evidence is currently insufficient to determine the role of this variant in disease. Therefore, it has been classified as a Variant of Uncertain Significance. Algorithms developed to predict the effect of sequence changes on RNA splicing suggest that this variant may disrupt the consensus splice site. An algorithm developed to predict the effect of missense changes on protein structure and function (PolyPhen-2) suggests that this variant is likely to be disruptive. This variant has not been reported in the literature in individuals affected with SYN1-related conditions. This variant is not present in population databases (gnomAD no frequency). This sequence change replaces valine, which is neutral and non-polar, with alanine, which is neutral and non-polar, at codon 183 of the SYN1 protein (p.Val183Ala).